The following is an entry in ClinVar:

NM_000059.4(BRCA2):c.8633-21A>G

Gene: BRCA2 (BRCA2 DNA repair associated; plus strand). Cytogenetic location: 13q13.1.
Variant type: single nucleotide variant.
Coding change: c.8633-21A>G on transcript NM_000059.4 (MANE Select); 21 bases into the intron before coding-DNA position 8633, A replaced by G.
Molecular consequence: intron variant.
Genome position (GRCh38, 1-based): chr13:32,376,649, A>G. VCF-style: chr13-32376649-A-G. GRCh37 (hg19) VCF-style: chr13-32950786-A-G.
Identifiers: ClinVar variation 433829 (VCV000433829.2), dbSNP rs1555288112, ClinGen allele CA645372962.

ClinVar aggregate classification (germline): Uncertain significance (0 of 4 stars; one submission).

Allele frequency attached by ClinVar (database versions not stated): gnomAD exomes below 0.00001.
gnomAD v4.1: 4 of 1,612,912 alleles (0.00025%); highest among the groups gnomAD compares: Non-Finnish European, 0.00034%; no homozygotes.

Submission:

Department of Pathology and Laboratory Medicine, Sinai Health System
Classification: Uncertain significance. Review status: no assertion criteria provided. Collection method: clinical testing. Allele origin: unknown. Affected: yes. Observed: 1 variant allele. Study: The Canadian Open Genetics Repository (COGR).
Comment: The c.8633-21A>G variant has not been previously reported in the literature. It is located in the 3' splice region but does not affect the invariant -1 and -2 positions. However, positions -3 and -5 to -12 are part of the splicing consensus sequence and variants involving these positions sometimes affect splicing. This variant falls outside of the known consensus splice site region and so the clinical significance of this variant is not known.